The following is an entry in ClinVar:

ClinVar aggregate classification (germline): Pathogenic (1 of 4 stars; one submission).

Conditions:
Epilepsy, familial focal, with variable foci 3 (FFEVF3). Identifiers: MedGen C4310708, MONDO:0014925, OMIM 617118.

Submission:

Labcorp Genetics (formerly Invitae), Labcorp
Classification: Pathogenic for Epilepsy, familial focal, with variable foci 3. Last evaluated: 2021-08-27. Review status: criteria provided, single submitter. Criteria: Invitae Variant Classification Sherloc (09022015). Collection method: clinical testing. Allele origin: germline.
Comment: This sequence change creates a premature translational stop signal (p.Gln174Profs*3) in the NPRL3 gene. It is expected to result in an absent or disrupted protein product. Loss-of-function variants in NPRL3 are known to be pathogenic (PMID: 26285051, 26505888). This variant is not present in population databases (ExAC no frequency). This variant has not been reported in the literature in individuals affected with NPRL3-related conditions. For these reasons, this variant has been classified as Pathogenic.

Literature cited by the submitters: PubMed 26285051; PubMed 26505888.

NM_001077350.3(NPRL3):c.518dup (p.Gln174fs)

Genes: HBA-LCR (alpha-globin locus control region; plus strand), NPRL3 (NPR3 like, GATOR1 complex subunit; minus strand). Cytogenetic location: 16p13.3.
Variant type: Duplication.
Coding change: c.518dup on transcript NM_001077350.3 (MANE Select); coding-DNA position 518, one base duplicated (T; older notation c.518dupT).
Protein change: p.Gln174fs; shifts the reading frame from glutamine 174.
Molecular consequence: frameshift variant. On other transcripts: 5 prime UTR variant (1).
Genome position (GRCh38, 1-based): chr16:112,651, A duplicated on the plus strand (T on the coding strand, the reverse complement: NPRL3 is on the minus strand). VCF-style (leftmost placement, unchanged base first): chr16-112650-G-GA. GRCh37 (hg19) VCF-style: chr16-162649-G-GA.
Other names: c.-20dup (NM_001039476.3); c.284dup, p.Gln96fs (NM_001243247.2); c.443dup, p.Gln149fs (NM_001243248.2, NM_001243249.2); short protein forms Q149fs, Q96fs, Q174fs.
Identifiers: ClinVar variation 1353907 (VCV001353907.6), dbSNP rs2141950064, ClinGen allele CA2573151693.
Genomic context (GRCh38, chr16:112,650, plus strand): 5'-GACCCATGCCCATCACGCCCTGCTGCACTCACCATCAGCCATGGCGGACACCTCATCCTG[G>GA]AGCGCCAGGATCAGCTTGGCCTCCCGGGTGAGGTACTGGCAGCGGCGCTCCTCGTGCTGC-3'